The following is an entry in ClinVar:

NM_030958.3(SLCO5A1):c.2029G>A (p.Val677Ile)

Gene: SLCO5A1 (solute carrier organic anion transporter family member 5A1; minus strand). Cytogenetic location: 8q13.3.
Variant type: single nucleotide variant.
Coding change: c.2029G>A on transcript NM_030958.3 (MANE Select); coding-DNA position 2029, G replaced by A.
Protein change: p.Val677Ile; replaces valine 677 with isoleucine.
Molecular consequence: missense variant. On other transcripts: intron variant (1).
Genome position (GRCh38, 1-based): chr8:69,676,669, C>T on the plus strand (G>A on the coding strand, the complement: SLCO5A1 is on the minus strand). VCF-style: chr8-69676669-C-T. GRCh37 (hg19) VCF-style: chr8-70588904-C-T.
Other names: c.1864G>A, p.Val622Ile (NM_001146009.1); c.2024+2709G>A (NM_001146008.2); short protein forms V622I, V677I.
Identifiers: ClinVar variation 2184036 (VCV002184036.4), dbSNP rs752221280, ClinGen allele CA4776440.

ClinVar aggregate classification (germline): Uncertain significance (1 of 4 stars; one submission).

Allele frequency attached by ClinVar (database versions not stated): TOPMed below 0.00001; gnomAD 0.00001; gnomAD exomes 0.00001; ExAC 0.00002.
gnomAD v4.1: 17 of 1,610,722 alleles (0.0011%); highest among the groups gnomAD compares: Admixed American, 0.0017%; no homozygotes.

Submission:

Labcorp Genetics (formerly Invitae), Labcorp
Classification: Uncertain significance. Last evaluated: 2022-05-12. Review status: criteria provided, single submitter. Criteria: Invitae Variant Classification Sherloc (09022015). Collection method: clinical testing. Allele origin: germline.
Comment: This sequence change replaces valine, which is neutral and non-polar, with isoleucine, which is neutral and non-polar, at codon 677 of the SLCO5A1 protein (p.Val677Ile). The frequency data for this variant in the population databases is considered unreliable, as metrics indicate poor data quality at this position in the gnomAD database. This variant has not been reported in the literature in individuals affected with SLCO5A1-related conditions. Algorithms developed to predict the effect of missense changes on protein structure and function are either unavailable or do not agree on the potential impact of this missense change (SIFT: "Tolerated"; PolyPhen-2: "Possibly Damaging"; Align-GVGD: "Class C0"). In summary, the available evidence is currently insufficient to determine the role of this variant in disease. Therefore, it has been classified as a Variant of Uncertain Significance.